The following is an entry in ClinVar:

ClinVar aggregate classification (germline): Uncertain significance (1 of 4 stars; one submission).

Conditions:
Tuberous sclerosis 2 (TSC2). Identifiers: Orphanet 805, MedGen C1860707, MONDO:0013199, OMIM 613254.

Submission:

Labcorp Genetics (formerly Invitae), Labcorp
Classification: Uncertain significance for Tuberous sclerosis 2. Last evaluated: 2021-02-05. Review status: criteria provided, single submitter. Criteria: Invitae Variant Classification Sherloc (09022015). Collection method: clinical testing. Allele origin: germline.
Comment: In summary, the available evidence is currently insufficient to determine the role of this variant in disease. Therefore, it has been classified as a Variant of Uncertain Significance. Advanced modeling of protein sequence and biophysical properties (such as structural, functional, and spatial information, amino acid conservation, physicochemical variation, residue mobility, and thermodynamic stability) performed at Invitae indicates that this missense variant is not expected to disrupt TSC2 protein function. This variant has not been reported in the literature in individuals with TSC2-related conditions. This variant is not present in population databases (ExAC no frequency). This sequence change replaces serine with arginine at codon 939 of the TSC2 protein (p.Ser939Arg). The serine residue is highly conserved and there is a moderate physicochemical difference between serine and arginine.

NM_000548.5(TSC2):c.2817T>A (p.Ser939Arg)

Gene: TSC2 (TSC complex subunit 2; plus strand). Cytogenetic location: 16p13.3.
Variant type: single nucleotide variant.
Coding change: c.2817T>A on transcript NM_000548.5 (MANE Select); coding-DNA position 2817, T replaced by A.
Protein change: p.Ser939Arg; replaces serine 939 with arginine.
Molecular consequence: missense variant.
Genome position (GRCh38, 1-based): chr16:2,076,565, T>A. VCF-style: chr16-2076565-T-A. GRCh37 (hg19) VCF-style: chr16-2126566-T-A.
Other names: c.2817T>A, p.Ser939Arg (NM_001077183.3, NM_001114382.3, NM_001363528.2 and 3 more transcripts); c.2706T>A, p.Ser902Arg (NM_001318827.2); c.2670T>A, p.Ser890Arg (NM_001318829.2); c.2217T>A, p.Ser739Arg (NM_001318831.2); c.2850T>A, p.Ser950Arg (NM_001318832.2); short protein forms S939R, S890R, S950R, S739R, S902R.
Identifiers: ClinVar variation 1510709 (VCV001510709.8), dbSNP rs2151396025, ClinGen allele CA394280191.
Genomic context (GRCh38, chr16:2,076,565, plus strand): 5'-TGTCCTCTTGTCTTTTGATGACACCCCCGAGAAGGACAGCTTCAGGGCCCGGAGTACTAG[T>A]CTCAACGAGAGACCCAAGAGGTACGGCCTGCGGGGGTGTGCCTGGAGTCGGTGTGGGGTG-3'
Protein context (NP_000539.2, residues 929-949): EKDSFRARST[Ser939Arg]LNERPKSLRI